The following is an entry in ClinVar:

ClinVar aggregate classification (germline): Uncertain significance (1 of 4 stars; one submission).

Conditions:
Hereditary cancer-predisposing syndrome. Also called: Neoplastic Syndromes, Hereditary; Tumor predisposition; Hereditary Cancer Syndrome; Hereditary neoplastic syndrome. Identifiers: Orphanet 140162, MedGen C0027672, MeSH D009386, MONDO:0015356.

Submission:

Ambry Genetics
Classification: Uncertain significance for Hereditary cancer-predisposing syndrome. Last evaluated: 2026-04-28. Review status: criteria provided, single submitter. Criteria: Ambry Variant Classification Scheme 2023. Collection method: clinical testing. Allele origin: germline.
Comment: The c.3559dupT variant (also known as p.*1187Lext*2), located in coding exon 13 of the PALB2 gene, results from a duplication of T at nucleotide position 3559. This variant disrupts the stop codon and is predicted to preserve the native sequence while resulting in the elongation of the protein by 2 amino acids. The exact functional effect of the additional amino acids is unknown. Based on the available evidence, the clinical significance of this variant remains unclear.

NM_024675.4(PALB2):c.3559dup (p.Ter1187LeuextTer?)

Gene: PALB2 (partner and localizer of BRCA2; minus strand). Cytogenetic location: 16p12.2.
Variant type: Duplication.
Coding change: c.3559dup on transcript NM_024675.4 (MANE Select); coding-DNA position 3559, one base duplicated (T; older notation c.3559dupT).
Protein change: p.Ter1187LeuextTer?.
Molecular consequence: frameshift variant, stop lost. On other transcripts: 3 prime UTR variant (5).
Genome position (GRCh38, 1-based): chr16:23,603,461, A duplicated on the plus strand (T on the coding strand, the reverse complement: PALB2 is on the minus strand). VCF-style (leftmost placement, unchanged base first): chr16-23603460-T-TA. GRCh37 (hg19) VCF-style: chr16-23614781-T-TA.
Other names: c.3559dupT (NM_024675.3); c.3499dup, p.Ter1167LeuextTer? (NM_001407296.1); c.3487dup, p.Ter1163LeuextTer? (NM_001407297.1); c.3397dup, p.Ter1133LeuextTer? (NM_001407298.1); c.3322dup, p.Ter1108LeuextTer? (NM_001407299.1); c.3280dup, p.Ter1094LeuextTer? (NM_001407300.1); c.*194dup (NM_001407301.1, NM_001407302.1, NM_001407310.1 and 2 more transcripts); c.2674dup, p.Ter892LeuextTer? (NM_001407304.1, NM_001407305.1, NM_001407306.1); and 4 more.
Identifiers: ClinVar variation 4861492 (VCV004861492.1).
Genomic context (GRCh38, chr16:23,603,460, plus strand): 5'-CCAAAAAATACTAAGAGGCCCAATATATCCAGAAAATTGTGTTTTCACTTTACCCTAACT[T>TA]ATGAATAGTGGTATACAAATATATTTCCATCTTTTTGTCCAGCCAGCAAATGAGAGTCTG-3'